The following is an entry in ClinVar:

ClinVar aggregate classification (germline): Conflicting classifications of pathogenicity. Review status: criteria provided, conflicting classifications (1 of 4 stars). 10 submissions from 6 submitters: Uncertain significance (7); Benign (2); Likely benign (1). Last evaluated 2025-10-01.

Conditions:
TTN-related disorder. Also called: TTN-related condition; TTN-related disease; TTN-related disorders.
Early-onset myopathy with fatal cardiomyopathy (CMYO5). Also called: Salih Myopathy; CONGENITAL MYOPATHY 5 WITH CARDIOMYOPATHY. Identifiers: Orphanet 289377, MedGen C2673677, MONDO:0012714, OMIM 611705. Disease mechanism: loss of function.
Myopathy, myofibrillar, 9, with early respiratory failure (MFM9). Also called: EDSTROM MYOPATHY; MYOPATHY, PROXIMAL, WITH EARLY RESPIRATORY MUSCLE INVOLVEMENT; Myopathy, distal, with early respiratory failure, autosomal dominant; Hereditary myopathy with early respiratory failure. Identifiers: Orphanet 178464, Orphanet 34521, MedGen C1863599, MONDO:0011362, OMIM 603689.
Dilated cardiomyopathy 1G (CMD1G). Identifiers: Orphanet 154, MedGen C1858763, MONDO:0011400, OMIM 604145.
Autosomal recessive limb-girdle muscular dystrophy type 2J (LGMDR10). Also called: Limb-girdle muscular dystrophy, type 2J; MUSCULAR DYSTROPHY, LIMB-GIRDLE, AUTOSOMAL RECESSIVE 10. Identifiers: Orphanet 140922, MedGen C1837342, MONDO:0012127, OMIM 608807.
Tibial muscular dystrophy (TMD). Also called: Tibial muscular dystrophy, tardive; UDD MYOPATHY; Udd Distal Myopathy – Tibial Muscular Dystrophy. Identifiers: Orphanet 609, MedGen C1838244, MONDO:0010870, OMIM 600334.

Allele frequency attached by ClinVar (database versions not stated): gnomAD 0.00001; gnomAD exomes 0.00001 and 0.00002; ExAC 0.00004.
gnomAD v4.1: 20 of 1,614,114 alleles (0.0012%); highest among the groups gnomAD compares: East Asian, 0.0022%; no homozygotes.

Submissions (10):

CeGaT Center for Human Genetics Tuebingen
Classification: Uncertain significance. Last evaluated: 2025-10-01. Review status: criteria provided, single submitter. Criteria: CeGaT Center For Human Genetics Tuebingen Variant Classification Criteria Version 2. Collection method: clinical testing. Allele origin: germline. Affected: yes. Observed: 1 variant allele.

Blueprint Genetics
Classification: Likely benign. Last evaluated: 2022-11-28. Review status: criteria provided, single submitter. Criteria: ACMG Guidelines, 2015. Collection method: clinical testing. Allele origin: germline.

PreventionGenetics, part of Exact Sciences
Classification: Uncertain significance for TTN-related condition. Last evaluated: 2022-08-18. Review status: criteria provided, single submitter. Criteria: ACMG Guidelines, 2015. Collection method: clinical testing. Allele origin: germline.
Comment: The TTN c.416G>A variant is predicted to result in the amino acid substitution p.Arg139Gln. To our knowledge, this variant has not been reported in the literature. This variant is reported in 0.0098% of alleles in individuals of South Asian descent in gnomAD. At this time, the clinical significance of this variant is uncertain due to the absence of conclusive functional and genetic evidence.

Revvity Omics, Revvity
Classification: Uncertain significance. Last evaluated: 2019-04-24. Review status: criteria provided, single submitter. Criteria: ACMG Guidelines, 2015. Collection method: clinical testing. Allele origin: germline.

Illumina Laboratory Services, Illumina
Classification: Benign for Tibial muscular dystrophy. Last evaluated: 2018-01-12. Review status: criteria provided, single submitter. Criteria: ICSL Variant Classification Criteria 13 December 2019. Collection method: clinical testing. Allele origin: germline.
Comment: This variant was observed in the ICSL laboratory as part of a predisposition screen in an ostensibly healthy population. It had not been previously curated by ICSL or reported in the Human Gene Mutation Database (HGMD: prior to June 1st, 2018), and was therefore a candidate for classification through an automated scoring system. Utilizing variant allele frequency, disease prevalence and penetrance estimates, and inheritance mode, an automated score was calculated to assess if this variant is too frequent to cause the disease. Based on the score and internal cut-off values, a variant classified as benign is not then subjected to further curation. The score for this variant resulted in a classification of benign for this disease.

Illumina Laboratory Services, Illumina
Classification: Uncertain significance for Dilated cardiomyopathy 1G. Last evaluated: 2018-01-12. Review status: criteria provided, single submitter. Criteria: ICSL Variant Classification Criteria 13 December 2019. Collection method: clinical testing. Allele origin: germline.

Illumina Laboratory Services, Illumina
Classification: Uncertain significance for Autosomal recessive limb-girdle muscular dystrophy type 2J. Last evaluated: 2018-01-12. Review status: criteria provided, single submitter. Criteria: ICSL Variant Classification Criteria 13 December 2019. Collection method: clinical testing. Allele origin: germline.

Illumina Laboratory Services, Illumina
Classification: Uncertain significance for Early-onset myopathy with fatal cardiomyopathy. Last evaluated: 2018-01-12. Review status: criteria provided, single submitter. Criteria: ICSL Variant Classification Criteria 13 December 2019. Collection method: clinical testing. Allele origin: germline.

Illumina Laboratory Services, Illumina
Classification: Benign for Myopathy, myofibrillar, 9, with early respiratory failure. Last evaluated: 2018-01-12. Review status: criteria provided, single submitter. Criteria: ICSL Variant Classification Criteria 13 December 2019. Collection method: clinical testing. Allele origin: germline.
Comment: the same text as in the submission from Illumina Laboratory Services, Illumina above.

GeneDx
Classification: Uncertain significance. Last evaluated: 2014-08-13. Review status: criteria provided, single submitter. Criteria: GeneDx Variant Classification (06012015). Collection method: clinical testing. Allele origin: germline. Affected: yes.
Comment: Missense variants in the TTN gene are considered 'unclassified' if they are not previously reported in the literature and do not have >1% frequency in the population to be considered a polymorphism. Research indicates that truncating mutations in the TTN gene are expected to account for approximately 25% of familial and 18% of sporadic idiopathic DCM; however, truncating variants in the TTN gene have been reported in approximately 3% of reported control alleles. There has been little investigation into non-truncating variants. (Herman D et al. Truncations of titin causing dilated cardiomyopathy. N Eng J Med 366:619-628, 2012) The variant is found in DCM-CRDM panel(s).

NM_001267550.2(TTN):c.416G>A (p.Arg139Gln)

Gene: TTN (titin; minus strand). Cytogenetic location: 2q31.2.
Variant type: single nucleotide variant.
Coding change: c.416G>A on transcript NM_001267550.2 (MANE Select); coding-DNA position 416, G replaced by A.
Protein change: p.Arg139Gln; replaces arginine 139 with glutamine.
Molecular consequence: missense variant.
Genome position (GRCh38, 1-based): chr2:178,800,562, C>T on the plus strand (G>A on the coding strand, the complement: TTN is on the minus strand). VCF-style: chr2-178800562-C-T. GRCh37 (hg19) VCF-style: chr2-179665289-C-T.
Other names: p.R139Q:CGG>CAG; c.416G>A, p.Arg139Gln (NM_001256850.1, NM_133378.4, NM_003319.4 and 3 more transcripts); short protein forms R139Q.
Identifiers: ClinVar variation 203247 (VCV000203247.16), dbSNP rs780003580, ClinGen allele CA311799.